The following is an entry in ClinVar:

NM_003737.4(DCHS1):c.4315G>C (p.Asp1439His)

Gene: DCHS1 (dachsous cadherin-related 1; minus strand). Cytogenetic location: 11p15.4.
Variant type: single nucleotide variant.
Coding change: c.4315G>C on transcript NM_003737.4 (MANE Select); coding-DNA position 4315, G replaced by C.
Protein change: p.Asp1439His; replaces aspartic acid 1439 with histidine.
Molecular consequence: missense variant.
Genome position (GRCh38, 1-based): chr11:6,630,479, C>G on the plus strand (G>C on the coding strand, the complement: DCHS1 is on the minus strand). VCF-style: chr11-6630479-C-G. GRCh37 (hg19) VCF-style: chr11-6651710-C-G.
Other names: short protein forms D1439H.
Identifiers: ClinVar variation 2728919 (VCV002728919.3), dbSNP rs2493824874, ClinGen allele CA379405977.

ClinVar aggregate classification (germline): Uncertain significance (1 of 4 stars; one submission).

Allele frequency attached by ClinVar (database versions not stated): gnomAD exomes 0.00003.

Submission:

Labcorp Genetics (formerly Invitae), Labcorp
Classification: Uncertain significance. Last evaluated: 2026-01-27. Review status: criteria provided, single submitter. Criteria: Invitae Variant Classification Sherloc (09022015). Collection method: clinical testing. Allele origin: germline.
Comment: This sequence change replaces aspartic acid, which is acidic and polar, with histidine, which is basic and polar, at codon 1439 of the DCHS1 protein (p.Asp1439His). This variant is not present in population databases (gnomAD no frequency). This variant has not been reported in the literature in individuals affected with DCHS1-related conditions. ClinVar contains an entry for this variant (Variation ID: 2728919). Invitae Evidence Modeling of protein sequence and biophysical properties (such as structural, functional, and spatial information, amino acid conservation, physicochemical variation, residue mobility, and thermodynamic stability) indicates that this missense variant is not expected to disrupt DCHS1 protein function with a negative predictive value of 80%. In summary, the available evidence is currently insufficient to determine the role of this variant in disease. Therefore, it has been classified as a Variant of Uncertain Significance.